The following is an entry in ClinVar:

NM_001127208.3(TET2):c.2032_2035dup (p.Thr679fs)

Genes: TET2 (tet methylcytosine dioxygenase 2; plus strand), TET2-AS1 (TET2 antisense RNA 1; minus strand). Cytogenetic location: 4q24.
Variant type: Duplication.
Coding change: c.2032_2035dup on transcript NM_001127208.3 (MANE Select); coding-DNA positions 2032 to 2035, 4 bases duplicated (GGCA; older notation c.2032_2035dupGGCA).
Protein change: p.Thr679fs; shifts the reading frame from threonine 679.
Molecular consequence: frameshift variant.
Genome position (GRCh38, 1-based): chr4:105,235,974-105,235,977, GGCA duplicated. VCF-style (leftmost placement, unchanged base first): chr4-105235973-T-TGGCA. GRCh37 (hg19) VCF-style: chr4-106157130-T-TGGCA.
Other names: c.2032_2035dup, p.Thr679fs (NM_017628.4); short protein forms T679fs.
Identifiers: ClinVar variation 3723684 (VCV003723684.2).

ClinVar aggregate classification (germline): Pathogenic (1 of 4 stars; one submission).

Submission:

Labcorp Genetics (formerly Invitae), Labcorp
Classification: Pathogenic. Last evaluated: 2024-10-23. Review status: criteria provided, single submitter. Criteria: Invitae Variant Classification Sherloc (09022015). Collection method: clinical testing. Allele origin: germline.
Comment: This sequence change creates a premature translational stop signal (p.Thr679Argfs*3) in the TET2 gene. It is expected to result in an absent or disrupted protein product. Loss-of-function variants in TET2 are known to be pathogenic (PMID: 36066697). This variant is not present in population databases (gnomAD no frequency). This variant has not been reported in the literature in individuals affected with TET2-related conditions. For these reasons, this variant has been classified as Pathogenic.

Literature cited by the submitters: PubMed 36066697.